The following is an entry in ClinVar:

ClinVar aggregate classification (germline): Uncertain significance (1 of 4 stars; one submission).

Submission:

Labcorp Genetics (formerly Invitae), Labcorp
Classification: Uncertain significance. Last evaluated: 2022-11-29. Review status: criteria provided, single submitter. Criteria: Invitae Variant Classification Sherloc (09022015). Collection method: clinical testing. Allele origin: germline.
Comment: In summary, the available evidence is currently insufficient to determine the role of this variant in disease. Therefore, it has been classified as a Variant of Uncertain Significance. Advanced modeling of protein sequence and biophysical properties (such as structural, functional, and spatial information, amino acid conservation, physicochemical variation, residue mobility, and thermodynamic stability) performed at Invitae indicates that this missense variant is not expected to disrupt DARS protein function. This variant has not been reported in the literature in individuals affected with DARS-related conditions. This variant is not present in population databases (gnomAD no frequency). This sequence change replaces histidine, which is basic and polar, with arginine, which is basic and polar, at codon 67 of the DARS protein (p.His67Arg).

NM_001349.4(DARS1):c.200A>G (p.His67Arg)

Gene: DARS1 (aspartyl-tRNA synthetase 1; minus strand). Cytogenetic location: 2q21.3.
Variant type: single nucleotide variant.
Coding change: c.200A>G on transcript NM_001349.4 (MANE Select); coding-DNA position 200, A replaced by G.
Protein change: p.His67Arg; replaces histidine 67 with arginine.
Molecular consequence: missense variant. On other transcripts: 5 prime UTR variant (1).
Genome position (GRCh38, 1-based): chr2:135,979,291, T>C on the plus strand (A>G on the coding strand, the complement: DARS1 is on the minus strand). VCF-style: chr2-135979291-T-C. GRCh37 (hg19) VCF-style: chr2-136736861-T-C.
Other names: c.-101A>G (NM_001293312.1); short protein forms H67R.
Identifiers: ClinVar variation 2129364 (VCV002129364.4), dbSNP rs2467445679, ClinGen allele CA348656357.